The following is an entry in ClinVar:

NM_001039660.2(IL18BP):c.490G>A (p.Val164Ile)

Gene: IL18BP (interleukin 18 binding protein; plus strand). Cytogenetic location: 11q13.4.
Variant type: single nucleotide variant.
Coding change: c.490G>A on transcript NM_001039660.2 (MANE Select); coding-DNA position 490, G replaced by A.
Protein change: p.Val164Ile; replaces valine 164 with isoleucine.
Molecular consequence: missense variant. On other transcripts: intron variant (2).
Genome position (GRCh38, 1-based): chr11:72,001,535, G>A. VCF-style: chr11-72001535-G-A. GRCh37 (hg19) VCF-style: chr11-71712581-G-A.
Other names: c.490G>A, p.Val164Ile (NM_001039659.2, NM_001145057.1, NM_005699.3 and 1 more transcripts); c.379+111G>A (NM_173044.3); c.236-249G>A (NM_001145055.1); short protein forms V164I.
Identifiers: ClinVar variation 2178307 (VCV002178307.4), dbSNP rs768554589, ClinGen allele CA6166257.

ClinVar aggregate classification (germline): Uncertain significance (1 of 4 stars; one submission).

Allele frequency attached by ClinVar (database versions not stated): ExAC 0.00001; gnomAD exomes 0.00001; TOPMed 0.00001; gnomAD 0.00002.
gnomAD v4.1: 21 of 1,612,700 alleles (0.0013%); highest among the groups gnomAD compares: African/African-American, 0.004%; no homozygotes.

Submission:

Labcorp Genetics (formerly Invitae), Labcorp
Classification: Uncertain significance. Last evaluated: 2022-10-13. Review status: criteria provided, single submitter. Criteria: Invitae Variant Classification Sherloc (09022015). Collection method: clinical testing. Allele origin: germline.
Comment: In summary, the available evidence is currently insufficient to determine the role of this variant in disease. Therefore, it has been classified as a Variant of Uncertain Significance. Algorithms developed to predict the effect of missense changes on protein structure and function output the following: SIFT: "Tolerated"; PolyPhen-2: "Benign"; Align-GVGD: "Class C0". The isoleucine amino acid residue is found in multiple mammalian species, which suggests that this missense change does not adversely affect protein function. This variant has not been reported in the literature in individuals affected with IL18BP-related conditions. This variant is present in population databases (rs768554589, gnomAD 0.009%). This sequence change replaces valine, which is neutral and non-polar, with isoleucine, which is neutral and non-polar, at codon 164 of the IL18BP protein (p.Val164Ile).